The following is an entry in ClinVar:

ClinVar aggregate classification (germline): Conflicting classifications of pathogenicity. Review status: criteria provided, conflicting classifications (1 of 4 stars). 2 submissions from 2 submitters: Likely pathogenic (1); Uncertain significance (1). Last evaluated 2024-12-17.

Submissions (2):

ARUP Laboratories, Molecular Genetics and Genomics, ARUP Laboratories
Classification: Likely pathogenic. Last evaluated: 2024-12-17. Review status: criteria provided, single submitter. Criteria: ARUP Molecular Germline Variant Investigation Process 2024. Collection method: clinical testing. Allele origin: germline.
Comment: The VWF c.824G>C; p.Cys275Ser variant (rs2136474280), to our knowledge, is not reported in the medical literature but is reported in ClinVar (Variation ID: 1698609). This variant is absent from the Genome Aggregation Database (v2.1.1), indicating it is not a common polymorphism. Computational analyses predict that this variant is deleterious (REVEL: 0.887). In addition, another variant at this codon (c.823T>C; p.Cys275Arg), has been reported in heterozygous and compound heterozygous individuals (Baronciani 2007). Based on available information, the c.824G>C; p.Cys275Ser variant is considered to be likely pathogenic. References: Baronciani L et al. Molecular characterization of a multiethnic group of 21 patients with type 3 von Willebrand disease. Thromb Haemost. 2000 Oct;84(4):536-40. PMID: 11057846. Baronciani L et al. Biochemical characterization of a recombinant von Willebrand factor (VWF) with combined type 2B and type 1 defects in the VWF gene in two patients with a type 2A phenotype of von Willebrand disease. J Thromb Haemost. 2007 Feb;5(2):282-8. PMID: 17155947. Baronciani L et al. Expression studies of missense mutations p.D141Y, p.C275S located in the propeptide of von Willebrand factor in patients with type 3 von Willebrand disease. Haemophilia. 2008 May;14(3):549-55. PMID: 18328061.

Women's Health and Genetics/Laboratory Corporation of America, LabCorp
Classification: Uncertain significance. Last evaluated: 2022-06-22. Review status: criteria provided, single submitter. Criteria: LabCorp Variant Classification Summary - May 2015. Collection method: clinical testing. Allele origin: germline.
Comment: Variant summary: VWF c.824G>C (p.Cys275Ser) results in a non-conservative amino acid change located in the D1 domain of VWF propeptide (Baronciani_2008). Five of five in-silico tools predict a damaging effect of the variant on protein function. The variant was absent in 251016 control chromosomes (gnomAD). A different variant resulting in the same missense change (i.e. c.823T>A (Cys275Ser)) has been reported in the literature in a compound heterozygous individual affected with Von Willebrand Disease, who carried a nonsense mutation in trans (Baronciani_2008). Since the parents carrying the individual variants were clinically unaffected, the authors of this study proposed a recessive inheritance for the missense variant, which they confirmed in an in vitro functional study by expressing the variant protein alone or in combination with the WT protein, demonstrating that the variant resulted in secretion defect in COS-7 cells. Another variant affecting the same amino acid residue (c.823T>C (p.C275R)) is reported in affected individuals (HGMD), further supporting the functional importance of this residue. No clinical diagnostic laboratories have submitted clinical-significance assessments for this variant to ClinVar after 2014. Based on the evidence outlined above, the variant was classified as VUS-possibly pathogenic with a recessive inheritance.

Literature cited by the submitters: PubMed 12737944 (cited by Women's Health and Genetics/Laboratory Corporation of America, LabCorp); PubMed 18328061 (cited by Women's Health and Genetics/Laboratory Corporation of America, LabCorp); PubMed 19506353 (cited by Women's Health and Genetics/Laboratory Corporation of America, LabCorp).

NM_000552.5(VWF):c.824G>C (p.Cys275Ser)

Gene: VWF (von Willebrand factor; minus strand). Cytogenetic location: 12p13.31.
Variant type: single nucleotide variant.
Coding change: c.824G>C on transcript NM_000552.5 (MANE Select); coding-DNA position 824, G replaced by C.
Protein change: p.Cys275Ser; replaces cysteine 275 with serine.
Molecular consequence: missense variant.
Genome position (GRCh38, 1-based): chr12:6,075,385, C>G on the plus strand (G>C on the coding strand, the complement: VWF is on the minus strand). VCF-style: chr12-6075385-C-G. GRCh37 (hg19) VCF-style: chr12-6184551-C-G.
Other names: short protein forms C275S.
Identifiers: ClinVar variation 1698609 (VCV001698609.2), dbSNP rs2136474280, ClinGen allele CA383508439.